The following is an entry in ClinVar:

NM_198129.4(LAMA3):c.8708+1G>A

Gene: LAMA3 (laminin subunit alpha 3; plus strand). Cytogenetic location: 18q11.2.
Variant type: single nucleotide variant.
Coding change: c.8708+1G>A on transcript NM_198129.4 (MANE Select); the canonical splice donor site of the intron after coding-DNA position 8708, G replaced by A.
Molecular consequence: splice donor variant.
Genome position (GRCh38, 1-based): chr18:23,932,292, G>A. VCF-style: chr18-23932292-G-A. GRCh37 (hg19) VCF-style: chr18-21512256-G-A.
Other names: c.8540+1G>A (NM_001127717.4); c.3881+1G>A (NM_000227.6); c.3713+1G>A (NM_001127718.4).
Identifiers: ClinVar variation 449300 (VCV000449300.9), dbSNP rs754558574, ClinGen allele CA8916989.
Genomic context (GRCh38, chr18:23,932,292, plus strand): 5'-GTCTCTGCGTCTGGGCGGGAGCAATTTTGAGGGTTGTATTAGCAATGTTTTTGTCCAGAG[G>A]TAGGTGATCCTCTCTTTGTGGGTAACTGATGAGAACGGCCTGCCCATGGGAAGGGTATCT-3'

ClinVar aggregate classification (germline): Pathogenic/Likely pathogenic. Review status: criteria provided, multiple submitters, no conflicts (2 of 4 stars). 2 submissions from 2 submitters: Pathogenic (1); Likely pathogenic (1). Last evaluated 2024-02-19.

Allele frequency attached by ClinVar (database versions not stated): gnomAD exomes below 0.00001 and 0.00001; ExAC 0.00001; gnomAD 0.00003.
gnomAD v4.1: 3 of 1,613,738 alleles (0.00019%); highest among the groups gnomAD compares: East Asian, 0.0045%; no homozygotes.

Submissions (2):

Labcorp Genetics (formerly Invitae), Labcorp
Classification: Likely pathogenic. Last evaluated: 2024-02-19. Review status: criteria provided, single submitter. Criteria: Invitae Variant Classification Sherloc (09022015). Collection method: clinical testing. Allele origin: germline.
Comment: This sequence change affects a donor splice site in intron 29 of the LAMA3 gene. It is expected to disrupt RNA splicing. Variants that disrupt the donor or acceptor splice site typically lead to a loss of protein function (PMID: 16199547), and loss-of-function variants in LAMA3 are known to be pathogenic (PMID: 10366601, 11810295, 12915477, 16473856, 17362460, 22434185, 23869449, 27827380, 28087116). This variant is present in population databases (rs754558574, gnomAD 0.02%). This variant has not been reported in the literature in individuals affected with LAMA3-related conditions. ClinVar contains an entry for this variant (Variation ID: 449300). Algorithms developed to predict the effect of sequence changes on RNA splicing suggest that this variant may disrupt the consensus splice site. In summary, the currently available evidence indicates that the variant is pathogenic, but additional data are needed to prove that conclusively. Therefore, this variant has been classified as Likely Pathogenic.

GeneDx
Classification: Pathogenic. Last evaluated: 2015-11-23. Review status: criteria provided, single submitter. Criteria: GeneDx Variant Classification (06012015). Collection method: clinical testing. Allele origin: germline. Affected: yes.

Literature cited by the submitters: PubMed 16199547 (cited by Labcorp Genetics (formerly Invitae), Labcorp); PubMed 10366601 (cited by Labcorp Genetics (formerly Invitae), Labcorp); PubMed 11810295 (cited by Labcorp Genetics (formerly Invitae), Labcorp); PubMed 12915477 (cited by Labcorp Genetics (formerly Invitae), Labcorp); PubMed 16473856 (cited by Labcorp Genetics (formerly Invitae), Labcorp); PubMed 17362460 (cited by Labcorp Genetics (formerly Invitae), Labcorp); PubMed 22434185 (cited by Labcorp Genetics (formerly Invitae), Labcorp); PubMed 23869449 (cited by Labcorp Genetics (formerly Invitae), Labcorp); PubMed 27827380 (cited by Labcorp Genetics (formerly Invitae), Labcorp); PubMed 28087116 (cited by Labcorp Genetics (formerly Invitae), Labcorp).